The following is an entry in ClinVar:

NM_000264.5(PTCH1):c.4226T>C (p.Phe1409Ser)

Gene: PTCH1 (patched 1; minus strand). Cytogenetic location: 9q22.32.
Variant type: single nucleotide variant.
Coding change: c.4226T>C on transcript NM_000264.5 (MANE Select); coding-DNA position 4226, T replaced by C.
Protein change: p.Phe1409Ser; replaces phenylalanine 1409 with serine.
Molecular consequence: missense variant. On other transcripts: non-coding transcript variant (1).
Genome position (GRCh38, 1-based): chr9:95,447,030, A>G on the plus strand (T>C on the coding strand, the complement: PTCH1 is on the minus strand). VCF-style: chr9-95447030-A-G. GRCh37 (hg19) VCF-style: chr9-98209312-A-G.
Other names: c.4028T>C, p.Phe1343Ser (NM_001083602.3); c.4223T>C, p.Phe1408Ser (NM_001083603.3); c.3773T>C, p.Phe1258Ser (NM_001083604.3, NM_001083605.3, NM_001083606.3 and 1 more transcripts); c.4070T>C, p.Phe1357Ser (NM_001354918.2); short protein forms F1258S, F1343S, F1357S, F1408S, F1409S.
Identifiers: ClinVar variation 1721496 (VCV001721496.8), dbSNP rs1775515465, ClinGen allele CA374110079.

ClinVar aggregate classification (germline): Uncertain significance. Review status: criteria provided, multiple submitters, no conflicts (2 of 4 stars). 2 submissions from 2 submitters: Uncertain significance (2). Last evaluated 2026-07-24.

Conditions:
Hereditary cancer-predisposing syndrome. Also called: Tumor predisposition; Hereditary neoplastic syndrome; Neoplastic Syndromes, Hereditary; Hereditary Cancer Syndrome. Identifiers: Orphanet 140162, MedGen C0027672, MeSH D009386, MONDO:0015356.
Gorlin syndrome. Also called: Basal cell nevus syndrome; Nevoid Basal Cell Carcinoma Syndrome. Identifiers: Orphanet 377, MedGen C0004779, MONDO:0007187.

Submissions (2):

Ambry Genetics
Classification: Uncertain significance for Hereditary cancer-predisposing syndrome. Last evaluated: 2026-07-24. Review status: criteria provided, single submitter. Criteria: Ambry Variant Classification Scheme 2023. Collection method: clinical testing. Allele origin: germline.
Comment: The p.F1409S variant (also known as c.4226T>C), located in coding exon 23 of the PTCH1 gene, results from a T to C substitution at nucleotide position 4226. The phenylalanine at codon 1409 is replaced by serine, an amino acid with highly dissimilar properties. This amino acid position is conserved. In addition, this alteration is predicted to be deleterious by in silico analysis. Based on the available evidence, the clinical significance of this variant remains unclear.

Labcorp Genetics (formerly Invitae), Labcorp
Classification: Uncertain significance for Gorlin syndrome. Last evaluated: 2022-07-21. Review status: criteria provided, single submitter. Criteria: Invitae Variant Classification Sherloc (09022015). Collection method: clinical testing. Allele origin: germline.
Comment: In summary, the available evidence is currently insufficient to determine the role of this variant in disease. Therefore, it has been classified as a Variant of Uncertain Significance. Advanced modeling of protein sequence and biophysical properties (such as structural, functional, and spatial information, amino acid conservation, physicochemical variation, residue mobility, and thermodynamic stability) performed at Invitae indicates that this missense variant is expected to disrupt PTCH1 protein function. This variant has not been reported in the literature in individuals affected with PTCH1-related conditions. This variant is not present in population databases (gnomAD no frequency). This sequence change replaces phenylalanine, which is neutral and non-polar, with serine, which is neutral and polar, at codon 1409 of the PTCH1 protein (p.Phe1409Ser).